The following is an entry in ClinVar:

NM_004304.5(ALK):c.4474G>A (p.Val1492Ile)

Gene: ALK (ALK receptor tyrosine kinase; minus strand). Cytogenetic location: 2p23.2.
Variant type: single nucleotide variant.
Coding change: c.4474G>A on transcript NM_004304.5 (MANE Select); coding-DNA position 4474, G replaced by A.
Protein change: p.Val1492Ile; replaces valine 1492 with isoleucine.
Molecular consequence: missense variant.
Genome position (GRCh38, 1-based): chr2:29,193,613, C>T on the plus strand (G>A on the coding strand, the complement: ALK is on the minus strand). VCF-style: chr2-29193613-C-T. GRCh37 (hg19) VCF-style: chr2-29416479-C-T.
Other names: c.1270G>A, p.Val424Ile (NM_001353765.2); short protein forms V424I, V1492I.
Identifiers: ClinVar variation 644626 (VCV000644626.11), dbSNP rs567438064, ClinGen allele CA1593562.

ClinVar aggregate classification (germline): Uncertain significance. Review status: criteria provided, multiple submitters, no conflicts (2 of 4 stars). 3 submissions from 3 submitters: Uncertain significance (3). Last evaluated 2025-11-24.

Conditions:
Neuroblastoma, susceptibility to, 3. Also called: ALK-Related Neuroblastic Tumor Susceptibility. Identifiers: Orphanet 635, MedGen C2751681, MONDO:0013083, OMIM 613014.
Hereditary cancer-predisposing syndrome. Also called: Neoplastic Syndromes, Hereditary; Hereditary Cancer Syndrome; Hereditary neoplastic syndrome; Tumor predisposition. Identifiers: Orphanet 140162, MedGen C0027672, MeSH D009386, MONDO:0015356.

Allele frequency attached by ClinVar (database versions not stated): gnomAD exomes below 0.00001; ExAC 0.00001; gnomAD 0.00001; 1000 Genomes Project 30x 0.00016; 1000 Genomes Project 0.00020.
gnomAD v4.1: 5 of 1,614,228 alleles (0.00031%); highest among the groups gnomAD compares: Admixed American, 0.0067%; no homozygotes.

Submissions (3):

Labcorp Genetics (formerly Invitae), Labcorp
Classification: Uncertain significance for Neuroblastoma, susceptibility to, 3. Last evaluated: 2025-11-24. Review status: criteria provided, single submitter. Criteria: Invitae Variant Classification Sherloc (09022015). Collection method: clinical testing. Allele origin: germline.
Comment: This sequence change replaces valine, which is neutral and non-polar, with isoleucine, which is neutral and non-polar, at codon 1492 of the ALK protein (p.Val1492Ile). This variant is not present in population databases (gnomAD no frequency). This variant has not been reported in the literature in individuals affected with ALK-related conditions. ClinVar contains an entry for this variant (Variation ID: 644626). An algorithm developed to predict the effect of missense changes on protein structure and function outputs the following: PolyPhen-2: "Benign". The isoleucine amino acid residue is found in multiple mammalian species, which suggests that this missense change does not adversely affect protein function. In summary, the available evidence is currently insufficient to determine the role of this variant in disease. Therefore, it has been classified as a Variant of Uncertain Significance.

Ambry Genetics
Classification: Uncertain significance for Hereditary cancer-predisposing syndrome. Last evaluated: 2024-10-17. Review status: criteria provided, single submitter. Criteria: Ambry Variant Classification Scheme 2023. Collection method: clinical testing. Allele origin: germline.
Comment: The p.V1492I variant (also known as c.4474G>A), located in coding exon 29 of the ALK gene, results from a G to A substitution at nucleotide position 4474. The valine at codon 1492 is replaced by isoleucine, an amino acid with highly similar properties. This amino acid position is conserved. In addition, this alteration is predicted to be tolerated by in silico analysis. Since supporting evidence is limited at this time, the clinical significance of this alteration remains unclear.

Baylor Genetics
Classification: Uncertain significance for Neuroblastoma, susceptibility to, 3. Last evaluated: 2024-01-19. Review status: criteria provided, single submitter. Criteria: ACMG Guidelines, 2015. Collection method: clinical testing. Allele origin: unknown.